The following is an entry in ClinVar:

NM_003573.2(LTBP4):c.340+1125A>C

Gene: LTBP4 (latent transforming growth factor beta binding protein 4; plus strand). Cytogenetic location: 19q13.2.
Variant type: single nucleotide variant.
Coding change: c.340+1125A>C on transcript NM_003573.2; 1125 bases into the intron after coding-DNA position 340, A replaced by C.
Molecular consequence: intron variant.
Genome position (GRCh38, 1-based): chr19:40,601,302, A>C. VCF-style: chr19-40601302-A-C. GRCh37 (hg19) VCF-style: chr19-41107208-A-C.
Other names: c.451+1125A>C (NM_001042544.1).
Identifiers: ClinVar variation 678507 (VCV000678507.4), dbSNP rs2195385, ClinGen allele CA16572384.

ClinVar aggregate classification (germline): Benign. Review status: criteria provided, multiple submitters, no conflicts (2 of 4 stars). 2 submissions from 2 submitters: Benign (2). Last evaluated 2018-06-19.

Allele frequency attached by ClinVar (database versions not stated): 1000 Genomes Project 30x 1.00000; gnomAD 0.99997; TOPMed 0.99997; 1000 Genomes Project 0.99780.

Submissions (2):

GeneDx
Classification: Benign. Last evaluated: 2018-06-19. Review status: criteria provided, single submitter. Criteria: GeneDx Variant Classification (06012015). Collection method: clinical testing. Allele origin: germline. Affected: yes.
Comment: This variant is considered likely benign or benign based on one or more of the following criteria: it is a conservative change, it occurs at a poorly conserved position in the protein, it is predicted to be benign by multiple in silico algorithms, and/or has population frequency not consistent with disease.

Breakthrough Genomics
Classification: Benign. Review status: criteria provided, single submitter. Criteria: ACMG Guidelines, 2015. Collection method: not provided. Allele origin: germline. Inheritance: Autosomal recessive inheritance. Affected: yes.